The following is an entry in ClinVar:

NM_001040716.2(PC):c.1181T>C (p.Ile394Thr)

Gene: PC (pyruvate carboxylase; minus strand). Cytogenetic location: 11q13.2.
Variant type: single nucleotide variant.
Coding change: c.1181T>C on transcript NM_001040716.2 (MANE Select); coding-DNA position 1181, T replaced by C.
Protein change: p.Ile394Thr; replaces isoleucine 394 with threonine.
Molecular consequence: missense variant.
Genome position (GRCh38, 1-based): chr11:66,866,191, A>G on the plus strand (T>C on the coding strand, the complement: PC is on the minus strand). VCF-style: chr11-66866191-A-G. GRCh37 (hg19) VCF-style: chr11-66633662-A-G.
Other names: c.1181T>C, p.Ile394Thr (NM_000920.4, NM_022172.3); short protein forms I394T.
Identifiers: ClinVar variation 379685 (VCV000379685.5), dbSNP rs1057520687, ClinGen allele CA16606295.

ClinVar aggregate classification (germline): Conflicting classifications of pathogenicity. Review status: criteria provided, conflicting classifications (1 of 4 stars). 4 submissions from 4 submitters: Likely pathogenic (2); Uncertain significance (1). 1 of the submissions does not count toward it. Last evaluated 2026-01-14.

Conditions:
Inborn genetic diseases. Identifiers: MedGen C0950123, MeSH D030342.
Pyruvate carboxylase deficiency. Also called: LEIGH NECROTIZING ENCEPHALOPATHY DUE TO PYRUVATE CARBOXYLASE DEFICIENCY; LEIGH SYNDROME DUE TO PYRUVATE CARBOXYLASE DEFICIENCY; PC DEFICIENCY; Pyruvate Carboxylase Deficiency Disease; ATAXIA WITH LACTIC ACIDOSIS II. Identifiers: Orphanet 3008, MedGen C0034341, MONDO:0009949, OMIM 266150.

Allele frequency attached by ClinVar (database versions not stated): TOPMed below 0.00001.

Submissions (4):

Labcorp Genetics (formerly Invitae), Labcorp
Classification: Likely pathogenic for Pyruvate carboxylase deficiency. Last evaluated: 2026-01-14. Review status: criteria provided, single submitter. Criteria: Invitae Variant Classification Sherloc (09022015). Collection method: clinical testing. Allele origin: germline.
Comment: This sequence change replaces isoleucine, which is neutral and non-polar, with threonine, which is neutral and polar, at codon 394 of the PC protein (p.Ile394Thr). This variant is not present in population databases (gnomAD no frequency). This missense change has been observed in individual(s) with pyruvate carboxylase deficiency (PMID: 37207470). In at least one individual the data is consistent with being in trans (on the opposite chromosome) from a pathogenic variant. ClinVar contains an entry for this variant (Variation ID: 379685). Invitae Evidence Modeling of protein sequence and biophysical properties (such as structural, functional, and spatial information, amino acid conservation, physicochemical variation, residue mobility, and thermodynamic stability) indicates that this missense variant is expected to disrupt PC protein function with a positive predictive value of 95%. In summary, the currently available evidence indicates that the variant is pathogenic, but additional data are needed to prove that conclusively. Therefore, this variant has been classified as Likely Pathogenic.

Ambry Genetics
Classification: Uncertain significance for Inborn genetic diseases. Last evaluated: 2023-11-14. Review status: criteria provided, single submitter. Criteria: Ambry Variant Classification Scheme 2023. Collection method: clinical testing. Allele origin: germline.

GeneDx
Classification: Likely pathogenic. Last evaluated: 2017-02-06. Review status: criteria provided, single submitter. Criteria: GeneDx Variant Classification (06012015). Collection method: clinical testing. Allele origin: germline. Affected: yes.
Comment: The I394T variant has not been published as a pathogenic variant, nor has it been reported as a benign variant to our knowledge. The I394T variant is not observed in large population cohorts (Lek et al., 2016; 1000 Genomes Consortium et al., 2015; Exome Variant Server). The I394T variant is a non-conservative amino acid substitution, which is likely to impact secondary protein structure as these residues differ in polarity, charge, size and/or other properties. This substitution occurs at a position that is conserved across species. In silico analysis predicts this variant is probably damaging to the protein structure/function. In summary, this variant is likely pathogenic; however, the possibility that it is benign cannot be excluded.

Counsyl
Classification: Uncertain significance for Pyruvate carboxylase deficiency. Last evaluated: 2017-09-20. Review status: no assertion criteria provided. Collection method: clinical testing. Allele origin: unknown. Not counted in ClinVar's aggregate classification.

Literature cited by the submitters: PubMed 37207470 (cited by Labcorp Genetics (formerly Invitae), Labcorp).